The following is an entry in ClinVar:

NM_000540.3(RYR1):c.10750G>A (p.Glu3584Lys)

Gene: RYR1 (ryanodine receptor 1; plus strand). Cytogenetic location: 19q13.2.
Variant type: single nucleotide variant.
Coding change: c.10750G>A on transcript NM_000540.3 (MANE Select); coding-DNA position 10750, G replaced by A.
Protein change: p.Glu3584Lys; replaces glutamic acid 3584 with lysine.
Molecular consequence: missense variant.
Genome position (GRCh38, 1-based): chr19:38,527,710, G>A. VCF-style: chr19-38527710-G-A. GRCh37 (hg19) VCF-style: chr19-39018350-G-A.
Other names: c.10735G>A, p.Glu3579Lys (NM_001042723.2); short protein forms E3579K, E3584K.
Identifiers: ClinVar variation 808564 (VCV000808564.43), dbSNP rs1600930723, ClinGen allele CA405646833.

ClinVar aggregate classification (germline): Uncertain significance. Review status: criteria provided, multiple submitters, no conflicts (2 of 4 stars). 2 submissions from 2 submitters: Uncertain significance (2). Last evaluated 2023-10-02.

Conditions:
Malignant hyperthermia, susceptibility to, 1 (MHS1). Also called: Malignant hyperthermia suceptibility 1; RYR1-Related Malignant Hyperthermia Susceptibility; Anesthesia related hyperthermia; Malignant hyperpyrexia; Fulminating hyperpyrexia; Pharmacogenic myopathy. Identifiers: Orphanet 423, MedGen C2930980, MONDO:0007783, OMIM 145600.

Allele frequency attached by ClinVar (database versions not stated): gnomAD exomes below 0.00001.
gnomAD v4.1: 2 of 1,614,142 alleles (0.00012%); highest among the groups gnomAD compares: Middle Eastern, 0.016%; no homozygotes.

Submissions (2):

All of Us Research Program, National Institutes of Health
Classification: Uncertain significance for Malignant hyperthermia, susceptibility to, 1. Last evaluated: 2023-10-02. Review status: criteria provided, single submitter. Criteria: ACMG Guidelines, 2015. Collection method: clinical testing. Allele origin: germline. Inheritance: Autosomal dominant inheritance. Observed: 1 variant allele, 1 heterozygote.
Comment: This missense variant replaces glutamic acid with lysine at codon 3584 of the RYR1 protein. Computational prediction suggests that this variant may have deleterious impact on protein structure and function (internally defined REVEL score threshold >= 0.7, PMID: 27666373). To our knowledge, functional studies have not been reported for this variant. This variant has not been reported in individuals affected with RYR1-related disorders in the literature. This variant has not been identified in the general population by the Genome Aggregation Database (gnomAD). The available evidence is insufficient to determine the role of this variant in disease conclusively. Therefore, this variant is classified as a Variant of Uncertain Significance.

This study involves interpretation of variants in research participants for the purpose of population health screening. Participant phenotype was not available at the time of variant classification. Additional details can be found in publication PMID: 35346344, PMCID: PMC8962531

CeGaT Center for Human Genetics Tuebingen
Classification: Uncertain significance. Last evaluated: 2019-03-01. Review status: criteria provided, single submitter. Criteria: CeGaT Center For Human Genetics Tuebingen Variant Classification Criteria Version 2. Collection method: clinical testing. Allele origin: germline. Affected: yes. Observed: 1 variant allele.